The following is an entry in ClinVar:

ClinVar aggregate classification (germline): Pathogenic/Likely pathogenic. Review status: criteria provided, multiple submitters, no conflicts (2 of 4 stars). 3 submissions from 3 submitters: Pathogenic (1); Likely pathogenic (2). Last evaluated 2024-01-15.

Conditions:
Severe combined immunodeficiency, autosomal recessive, T cell-negative, B cell-negative, NK cell-positive. Also called: SCID, AR, T-cell negative, B-cell negative, NK cell-positive; SCID, T CELL-NEGATIVE, B CELL-NEGATIVE, NK CELL-POSITIVE; Severe combined immunodeficiency due to complete RAG1/2 deficiency. Identifiers: Orphanet 331206, MedGen C1832322, MONDO:0011086, OMIM 601457.
Combined immunodeficiency with skin granulomas. Identifiers: Orphanet 157949, MedGen C2673536, MONDO:0009306, OMIM 233650.
Histiocytic medullary reticulosis. Also called: SEVERE COMBINED IMMUNODEFICIENCY WITH HYPEREOSINOPHILIA; Omenn syndrome. Identifiers: Orphanet 39041, MedGen C2700553, MONDO:0011338, OMIM 603554.
Combined immunodeficiency due to partial RAG1 deficiency. Identifiers: Orphanet 231154, MedGen C1835931, MONDO:0012359, OMIM 609889.

Allele frequency attached by ClinVar (database versions not stated): gnomAD exomes below 0.00001.

Submissions (3):

Fulgent Genetics
Classification: Likely pathogenic for Combined immunodeficiency with skin granulomas; Severe combined immunodeficiency, autosomal recessive, T cell-negative, B cell-negative, NK cell-positive; Histiocytic medullary reticulosis; Combined immunodeficiency due to partial RAG1 deficiency. Last evaluated: 2024-01-15. Review status: criteria provided, single submitter. Criteria: ACMG Guidelines, 2015. Collection method: clinical testing. Allele origin: germline.

Labcorp Genetics (formerly Invitae), Labcorp
Classification: Pathogenic for Combined immunodeficiency with skin granulomas; Severe combined immunodeficiency, autosomal recessive, T cell-negative, B cell-negative, NK cell-positive. Last evaluated: 2023-02-18. Review status: criteria provided, single submitter. Criteria: Invitae Variant Classification Sherloc (09022015). Collection method: clinical testing. Allele origin: germline.
Comment: ClinVar contains an entry for this variant (Variation ID: 235297). This missense change has been observed in individual(s) with severe combined immunodeficiency (PMID: 24144642, 26476733, 28747913, 32655540). In at least one individual the data is consistent with being in trans (on the opposite chromosome) from a pathogenic variant. This variant is not present in population databases (gnomAD no frequency). This sequence change replaces glutamic acid, which is acidic and polar, with lysine, which is basic and polar, at codon 669 of the RAG1 protein (p.Glu669Lys). For these reasons, this variant has been classified as Pathogenic. This variant disrupts the p.Glu669 amino acid residue in RAG1. Other variant(s) that disrupt this residue have been determined to be pathogenic (PMID: 11133745). This suggests that this residue is clinically significant, and that variants that disrupt this residue are likely to be disease-causing. Advanced modeling of protein sequence and biophysical properties (such as structural, functional, and spatial information, amino acid conservation, physicochemical variation, residue mobility, and thermodynamic stability) has been performed at Invitae for this missense variant, however the output from this modeling did not meet the statistical confidence thresholds required to predict the impact of this variant on RAG1 protein function.

Center for Pediatric Genomic Medicine, Children's Mercy Hospital and Clinics
Classification: Likely pathogenic. Last evaluated: 2014-09-15. Review status: criteria provided, single submitter. Criteria: ACMG Guidelines, 2015. Collection method: clinical testing. Allele origin: germline.

Literature cited by the submitters: PubMed 24144642 (cited by Labcorp Genetics (formerly Invitae), Labcorp); PubMed 26476733 (cited by Labcorp Genetics (formerly Invitae), Labcorp); PubMed 28747913 (cited by Labcorp Genetics (formerly Invitae), Labcorp); PubMed 32655540 (cited by Labcorp Genetics (formerly Invitae), Labcorp); PubMed 11133745 (cited by Labcorp Genetics (formerly Invitae), Labcorp).

NM_000448.3(RAG1):c.2005G>A (p.Glu669Lys)

Gene: RAG1 (recombination activating 1; plus strand). Cytogenetic location: 11p12.
Variant type: single nucleotide variant.
Coding change: c.2005G>A on transcript NM_000448.3 (MANE Select); coding-DNA position 2005, G replaced by A.
Protein change: p.Glu669Lys; replaces glutamic acid 669 with lysine.
Molecular consequence: missense variant.
Genome position (GRCh38, 1-based): chr11:36,575,309, G>A. VCF-style: chr11-36575309-G-A. GRCh37 (hg19) VCF-style: chr11-36596859-G-A.
Other names: c.2005G>A, p.Glu669Lys (NM_001377277.1, NM_001377278.1, NM_001377279.1 and 1 more transcripts); short protein forms E669K.
Identifiers: ClinVar variation 235297 (VCV000235297.6), dbSNP rs878853004, ClinGen allele CA10581269.